The following is an entry in ClinVar:

ClinVar aggregate classification (germline): Benign. Review status: criteria provided, multiple submitters, no conflicts (2 of 4 stars). 4 submissions from 4 submitters: Benign (4). Last evaluated 2026-02-02.

Conditions:
Kindler syndrome (KNDLRS). Also called: BULLOUS ACROKERATOTIC POIKILODERMA OF KINDLER AND WEARY; POIKILODERMA, CONGENITAL, WITH BULLAE, WEARY TYPE; POIKILODERMA, HEREDITARY ACROKERATOTIC; Hereditary acrokeratotic poikiloderma of Weary; Poikiloderma of Kindler; Congenital bullous poikiloderma. Identifiers: Orphanet 2908, Orphanet 306539, MedGen C0406557, MONDO:0008260, OMIM 173650.

Allele frequency attached by ClinVar (database versions not stated): ESP Exome Variant Server 0.00038; gnomAD exomes 0.00290 and 0.01283; gnomAD 0.00558 and 0.00582; 1000 Genomes Project 0.00819; 1000 Genomes Project 30x 0.00890; TOPMed 0.00923; ExAC 0.00997.
gnomAD v4.1: 5,086 of 1,611,970 alleles (0.32%); highest among the groups gnomAD compares: Admixed American, 7.3%; 214 homozygotes.

Submissions (7):

Labcorp Genetics (formerly Invitae), Labcorp
Classification: Benign. Last evaluated: 2026-02-02. Review status: criteria provided, single submitter. Criteria: Invitae Variant Classification Sherloc (09022015). Collection method: clinical testing. Allele origin: germline.

GeneDx
Classification: Benign. Last evaluated: 2021-05-05. Review status: criteria provided, single submitter. Criteria: GeneDx Variant Classification Process June 2021. Collection method: clinical testing. Allele origin: germline. Affected: yes.

Illumina Laboratory Services, Illumina
Classification: Benign for Kindler syndrome. Last evaluated: 2018-01-13. Review status: criteria provided, single submitter. Criteria: ICSL Variant Classification Criteria 13 December 2019. Collection method: clinical testing. Allele origin: germline.
Comment: This variant was observed in the ICSL laboratory as part of a predisposition screen in an ostensibly healthy population. It had not been previously curated by ICSL or reported in the Human Gene Mutation Database (HGMD: prior to June 1st, 2018), and was therefore a candidate for classification through an automated scoring system. Utilizing variant allele frequency, disease prevalence and penetrance estimates, and inheritance mode, an automated score was calculated to assess if this variant is too frequent to cause the disease. Based on the score and internal cut-off values, a variant classified as benign is not then subjected to further curation. The score for this variant resulted in a classification of benign for this disease.

Breakthrough Genomics
Classification: Benign. Review status: criteria provided, single submitter. Criteria: ACMG Guidelines, 2015. Collection method: not provided. Allele origin: germline. Inheritance: Autosomal recessive inheritance. Affected: yes.

Dr. Peter K. Rogan Lab, Western University
No classification provided (evidence only). Condition: Clear cell carcinoma of kidney. Review status: no classification provided. Collection method: in vitro. Allele origin: not applicable. Functional consequence: retained intron. Not counted in ClinVar's aggregate classification.

Dr. Peter K. Rogan Lab, Western University
No classification provided (evidence only). Condition: Malignant tumor of esophagus. Review status: no classification provided. Collection method: in vitro. Allele origin: not applicable. Functional consequence: retained intron. Not counted in ClinVar's aggregate classification.

Dr. Peter K. Rogan Lab, Western University
No classification provided (evidence only). Condition: Malignant tumor of esophagus. Review status: no classification provided. Collection method: in vitro. Allele origin: not applicable. Functional consequence: retained intron. Not counted in ClinVar's aggregate classification.

NM_017671.5(FERMT1):c.467A>G (p.Asn156Ser)

Gene: FERMT1 (FERM domain containing kindlin 1; minus strand). Cytogenetic location: 20p12.3.
Variant type: single nucleotide variant.
Coding change: c.467A>G on transcript NM_017671.5 (MANE Select); coding-DNA position 467, A replaced by G.
Protein change: p.Asn156Ser; replaces asparagine 156 with serine.
Molecular consequence: missense variant.
Genome position (GRCh38, 1-based): chr20:6,112,542, T>C on the plus strand (A>G on the coding strand, the complement: FERMT1 is on the minus strand). VCF-style: chr20-6112542-T-C. GRCh37 (hg19) VCF-style: chr20-6093189-T-C.
Other names: short protein forms N156S.
Identifiers: ClinVar variation 339231 (VCV000339231.18), dbSNP rs138019177, ClinGen allele CA9758457.